The following is an entry in ClinVar:

ClinVar aggregate classification (germline): Likely pathogenic (1 of 4 stars; one submission).

Conditions:
CDH23-related disorder. Also called: CDH23-related disorders; CDH23-related condition.

Submission:

PreventionGenetics, part of Exact Sciences
Classification: Likely pathogenic for CDH23-related condition. Last evaluated: 2026-03-30. Review status: criteria provided, single submitter. Criteria: ACMG Guidelines, 2015. Collection method: clinical testing. Allele origin: germline.
Comment: The CDH23 c.9198+2T>C variant is predicted to disrupt the GT donor site and interfere with normal splicing. To our knowledge, this variant has not been reported in the literature. This variant is absent in a large population database (gnomAD), indicating this variant is rare. Variants that disrupt the consensus splice donor site in CDH23 are an established mechanism of disease. This variant is interpreted as likely pathogenic.

NM_022124.6(CDH23):c.9198+2T>C

Gene: CDH23 (cadherin related 23; plus strand). Cytogenetic location: 10q22.1.
Variant type: single nucleotide variant.
Coding change: c.9198+2T>C on transcript NM_022124.6 (MANE Select); the canonical splice donor site of the intron after coding-DNA position 9198, T replaced by C.
Molecular consequence: splice donor variant.
Genome position (GRCh38, 1-based): chr10:71,811,437, T>C. VCF-style: chr10-71811437-T-C. GRCh37 (hg19) VCF-style: chr10-73571194-T-C.
Other names: c.2478+2T>C (NM_001171933.1, NM_001171934.1).
Identifiers: ClinVar variation 4991998 (VCV004991998.1).
Genomic context (GRCh38, chr10:71,811,437, plus strand): 5'-TCCTGGACGTGCAGCCTGCCATCTCTGTCCGGCTGCCGGATGACATGTCTGCCCTGCAGG[T>C]ACCCGGCGACCGTGCCCCACAGCCCTAGCCGCCCTCCCCACTGCCCGGGCTTACCCTGGT-3'